The following is an entry in ClinVar:

NM_015330.6(SPECC1L):c.3205-9C>G

Genes: SPECC1L (sperm antigen with calponin homology and coiled-coil domains 1 like; plus strand), SPECC1L-ADORA2A (SPECC1L-ADORA2A readthrough (NMD candidate); plus strand). Cytogenetic location: 22q11.23.
Variant type: single nucleotide variant.
Coding change: c.3205-9C>G on transcript NM_015330.6 (MANE Select); 9 bases into the intron before coding-DNA position 3205, C replaced by G.
Molecular consequence: intron variant.
Genome position (GRCh38, 1-based): chr22:24,412,639, C>G. VCF-style: chr22-24412639-C-G. GRCh37 (hg19) VCF-style: chr22-24808607-C-G.
Other names: c.3205-9C>G (NM_001145468.4); c.3088-9C>G (NM_001254732.3); c.403-9C>G (NM_001254733.2).
Identifiers: ClinVar variation 3029677 (VCV003029677.2), dbSNP rs2517845311, ClinGen allele CA2740094804.
Genomic context (GRCh38, chr22:24,412,639, plus strand): 5'-AGTTGTGGAGGCCACGTGACTTTCTCTGTGCCTTGTTCATGCACTGCAGTGACACAGTTT[C>G]TTTTACAGAGAAGGAACTTCATGCTGGCTTTCCAGGCAGCTGAAAGTGTCGGCATCAAAT-3'

ClinVar aggregate classification (germline): Likely benign (0 of 4 stars; one submission).

Conditions:
SPECC1L-related disorder. Also called: SPECC1L-related condition.

Submission:

PreventionGenetics, part of Exact Sciences
Classification: Likely benign for SPECC1L-related condition. Last evaluated: 2021-05-25. Review status: no assertion criteria provided. Collection method: clinical testing. Allele origin: germline.
Comment: This variant is classified as likely benign based on ACMG/AMP sequence variant interpretation guidelines (Richards et al. 2015 PMID: 25741868, with internal and published modifications).